The following is an entry in ClinVar:

NM_170606.3(KMT2C):c.3473A>C (p.Gln1158Pro)

Gene: KMT2C (lysine methyltransferase 2C; minus strand). Cytogenetic location: 7q36.1.
Variant type: single nucleotide variant.
Coding change: c.3473A>C on transcript NM_170606.3 (MANE Select); coding-DNA position 3473, A replaced by C.
Protein change: p.Gln1158Pro; replaces glutamine 1158 with proline.
Molecular consequence: missense variant.
Genome position (GRCh38, 1-based): chr7:152,222,027, T>G on the plus strand (A>C on the coding strand, the complement: KMT2C is on the minus strand). VCF-style: chr7-152222027-T-G. GRCh37 (hg19) VCF-style: chr7-151919112-T-G.
Other names: short protein forms Q1158P.
Identifiers: ClinVar variation 2996054 (VCV002996054.3), dbSNP rs2094788054, ClinGen allele CA370109230.

ClinVar aggregate classification (germline): Uncertain significance (1 of 4 stars; one submission).

Allele frequency attached by ClinVar (database versions not stated): gnomAD exomes below 0.00001; TOPMed below 0.00001.
gnomAD v4.1: 1 of 1,605,780 alleles (0.000062%); highest among the groups gnomAD compares: Non-Finnish European, 0.000085%; no homozygotes.

Submission:

Labcorp Genetics (formerly Invitae), Labcorp
Classification: Uncertain significance. Last evaluated: 2023-05-25. Review status: criteria provided, single submitter. Criteria: Invitae Variant Classification Sherloc (09022015). Collection method: clinical testing. Allele origin: germline.
Comment: This sequence change replaces glutamine, which is neutral and polar, with proline, which is neutral and non-polar, at codon 1158 of the KMT2C protein (p.Gln1158Pro). This variant is not present in population databases (gnomAD no frequency). This variant has not been reported in the literature in individuals affected with KMT2C-related conditions. An algorithm developed to predict the effect of missense changes on protein structure and function (PolyPhen-2) suggests that this variant is likely to be disruptive. In summary, the available evidence is currently insufficient to determine the role of this variant in disease. Therefore, it has been classified as a Variant of Uncertain Significance.